The following is an entry in ClinVar:

NM_177531.6(PKHD1L1):c.4553C>A (p.Thr1518Lys)

Gene: PKHD1L1 (PKHD1 like 1; plus strand). Cytogenetic location: 8q23.1.
Variant type: single nucleotide variant.
Coding change: c.4553C>A on transcript NM_177531.6 (MANE Select); coding-DNA position 4553, C replaced by A.
Protein change: p.Thr1518Lys; replaces threonine 1518 with lysine.
Molecular consequence: missense variant.
Genome position (GRCh38, 1-based): chr8:109,443,105, C>A. VCF-style: chr8-109443105-C-A. GRCh37 (hg19) VCF-style: chr8-110455334-C-A.
Other names: short protein forms T1518K.
Identifiers: ClinVar variation 4137846 (VCV004137846.2).

ClinVar aggregate classification (germline): Uncertain significance. Review status: criteria provided, multiple submitters, no conflicts (2 of 4 stars). 2 submissions from 2 submitters: Uncertain significance (2). Last evaluated 2025-08-05.

Conditions:
PKHD1L1-related disorder. Also called: PKHD1L1-related condition.

gnomAD v4.1: 291 of 1,613,292 alleles (0.018%); highest among the groups gnomAD compares: Middle Eastern, 0.17%; no homozygotes.

Submissions (2):

Ambry Genetics
Classification: Uncertain significance. Last evaluated: 2025-08-05. Review status: criteria provided, single submitter. Criteria: Ambry Variant Classification Scheme 2023. Collection method: clinical testing. Allele origin: germline.

PreventionGenetics, part of Exact Sciences
Classification: Uncertain significance for PKHD1L1-related condition. Last evaluated: 2024-11-09. Review status: criteria provided, single submitter. Criteria: ACMG Guidelines, 2015. Collection method: clinical testing. Allele origin: germline.
Comment: The PKHD1L1 c.4553C>A variant is predicted to result in the amino acid substitution p.Thr1518Lys. To our knowledge, this variant has not been reported in the literature. This variant is reported in 0.093% of alleles in individuals of Latino descent in gnomAD. Although we suspect that this variant may be benign, at this time, the clinical significance of this variant is uncertain due to the absence of conclusive functional and genetic evidence.